The following is an entry in ClinVar:

NM_000059.4(BRCA2):c.4894dup (p.Ser1632fs)

Gene: BRCA2 (BRCA2 DNA repair associated; plus strand). Cytogenetic location: 13q13.1.
Variant type: Duplication.
Coding change: c.4894dup on transcript NM_000059.4 (MANE Select); coding-DNA position 4894, one base duplicated (A; older notation c.4894dupA).
Protein change: p.Ser1632fs; shifts the reading frame from serine 1632.
Molecular consequence: frameshift variant. On other transcripts: non-coding transcript variant (1), intron variant (2).
Genome position (GRCh38, 1-based): chr13:32,339,249, A duplicated; the last of 5 consecutive A bases (chr13:32,339,245-32,339,249); duplicating any one gives the same sequence. VCF-style (leftmost placement, unchanged base first): chr13-32339244-C-CA. GRCh37 (hg19) VCF-style: chr13-32913381-C-CA.
Other names: c.4894dup, p.Ser1632fs (NM_001406719.1, NM_001406720.1, NM_001432077.1); c.1910-5309dup (NM_001406721.1); c.425-5309dup (NM_001406722.1); short protein forms S1632fs.
Identifiers: ClinVar variation 4729459 (VCV004729459.1).

ClinVar aggregate classification (germline): Pathogenic (1 of 4 stars; one submission).

Conditions:
Hereditary breast ovarian cancer syndrome. Also called: Hereditary breast and/or ovarian cancer syndrome; Hereditary breast and ovarian cancer syndrome; Breast and ovarian cancer; Hereditary breast and ovarian cancer syndrome (HBOC); BRCA1- and BRCA2-Associated Hereditary Breast and Ovarian Cancer; Hereditary breast and ovarian cancer. Identifiers: Orphanet 145, MedGen C0677776, MeSH D061325, MONDO:0003582. Disease mechanism: loss of function.

Submission:

Labcorp Genetics (formerly Invitae), Labcorp
Classification: Pathogenic for Hereditary breast ovarian cancer syndrome. Last evaluated: 2025-12-16. Review status: criteria provided, single submitter. Criteria: Invitae Variant Classification Sherloc (09022015). Collection method: clinical testing. Allele origin: germline.
Comment: This sequence change creates a premature translational stop signal (p.Ser1632Lysfs*7) in the BRCA2 gene. It is expected to result in an absent or disrupted protein product. Loss-of-function variants in BRCA2 are known to be pathogenic (PMID: 20104584). This variant is not present in population databases (gnomAD no frequency). This variant has not been reported in the literature in individuals affected with BRCA2-related conditions. For these reasons, this variant has been classified as Pathogenic.

Literature cited by the submitters: PubMed 20104584.